The following is an entry in ClinVar:

ClinVar aggregate classification (germline): Uncertain significance. Review status: criteria provided, multiple submitters, no conflicts (2 of 4 stars). 2 submissions from 2 submitters: Uncertain significance (2). Last evaluated 2025-06-11.

Allele frequency attached by ClinVar (database versions not stated): gnomAD exomes 0.00003; ExAC 0.00010.
gnomAD v4.1: 47 of 1,604,350 alleles (0.0029%); highest among the groups gnomAD compares: South Asian, 0.016%; no homozygotes.

Submissions (2):

Labcorp Genetics (formerly Invitae), Labcorp
Classification: Uncertain significance. Last evaluated: 2025-06-11. Review status: criteria provided, single submitter. Criteria: Invitae Variant Classification Sherloc (09022015). Collection method: clinical testing. Allele origin: germline.
Comment: This sequence change replaces serine, which is neutral and polar, with leucine, which is neutral and non-polar, at codon 371 of the FGFRL1 protein (p.Ser371Leu). This variant is present in population databases (rs767896163, gnomAD 0.03%). This variant has not been reported in the literature in individuals affected with FGFRL1-related conditions. ClinVar contains an entry for this variant (Variation ID: 2060073). An algorithm developed to predict the effect of missense changes on protein structure and function (PolyPhen-2) suggests that this variant is likely to be tolerated. In summary, the available evidence is currently insufficient to determine the role of this variant in disease. Therefore, it has been classified as a Variant of Uncertain Significance.

Ambry Genetics
Classification: Uncertain significance. Last evaluated: 2025-05-19. Review status: criteria provided, single submitter. Criteria: Ambry Variant Classification Scheme 2023. Collection method: clinical testing. Allele origin: germline.

NM_001004356.3(FGFRL1):c.1112C>T (p.Ser371Leu)

Gene: FGFRL1 (fibroblast growth factor receptor like 1; plus strand). Cytogenetic location: 4p16.3.
Variant type: single nucleotide variant.
Coding change: c.1112C>T on transcript NM_001004356.3 (MANE Select); coding-DNA position 1112, C replaced by T.
Protein change: p.Ser371Leu; replaces serine 371 with leucine.
Molecular consequence: missense variant.
Genome position (GRCh38, 1-based): chr4:1,024,944, C>T. VCF-style: chr4-1024944-C-T. GRCh37 (hg19) VCF-style: chr4-1018732-C-T.
Other names: c.1112C>T, p.Ser371Leu (NM_001004358.1, NM_001370296.1, NM_021923.3); c.1112C>T (NM_001004356.2); short protein forms S371L.
Identifiers: ClinVar variation 2060073 (VCV002060073.7), dbSNP rs767896163, ClinGen allele CA2803001.